The following is an entry in ClinVar:

NM_015909.4(NBAS):c.1359_1366del (p.Pro454fs)

Gene: NBAS (NBAS subunit of NRZ tethering complex; minus strand). Cytogenetic location: 2p24.3.
Variant type: Deletion.
Coding change: c.1359_1366del on transcript NM_015909.4 (MANE Select); coding-DNA positions 1359 to 1366, 8 bases deleted (CCCCAAAC; older notation c.1359_1366delCCCCAAAC).
Protein change: p.Pro454fs; shifts the reading frame from proline 454.
Molecular consequence: frameshift variant. On other transcripts: non-coding transcript variant (1).
Genome position (GRCh38, 1-based): chr2:15,474,300-15,474,307, GTTTGGGG deleted on the plus strand (CCCCAAAC on the coding strand, the reverse complement: NBAS is on the minus strand); deleting any 8 consecutive bases within chr2:15,474,300-15,474,308 gives the same sequence; the c. name uses the placement nearest the transcript's 3' end. VCF-style (leftmost placement, unchanged base first): chr2-15474299-CGTTTGGGG-C. GRCh37 (hg19) VCF-style: chr2-15614423-CGTTTGGGG-C.
Other names: short protein forms P454fs.
Identifiers: ClinVar variation 2101614 (VCV002101614.4), dbSNP rs2528139805, ClinGen allele CA2580063678.

ClinVar aggregate classification (germline): Pathogenic (1 of 4 stars; one submission).

Submission:

Labcorp Genetics (formerly Invitae), Labcorp
Classification: Pathogenic. Last evaluated: 2022-03-02. Review status: criteria provided, single submitter. Criteria: Invitae Variant Classification Sherloc (09022015). Collection method: clinical testing. Allele origin: germline.
Comment: For these reasons, this variant has been classified as Pathogenic. This variant has not been reported in the literature in individuals affected with NBAS-related conditions. This variant is not present in population databases (gnomAD no frequency). This sequence change creates a premature translational stop signal (p.Pro454Ilefs*6) in the NBAS gene. It is expected to result in an absent or disrupted protein product. Loss-of-function variants in NBAS are known to be pathogenic (PMID: 26073778, 26541327, 27789416, 28031453).

Literature cited by the submitters: PubMed 26073778; PubMed 26541327; PubMed 27789416; PubMed 28031453.